The following is an entry in ClinVar:

NM_021025.4(TLX3):c.848A>G (p.Lys283Arg)

Gene: TLX3 (T cell leukemia homeobox 3; plus strand). Cytogenetic location: 5q35.1.
Variant type: single nucleotide variant.
Coding change: c.848A>G on transcript NM_021025.4 (MANE Select); coding-DNA position 848, A replaced by G.
Protein change: p.Lys283Arg; replaces lysine 283 with arginine.
Molecular consequence: missense variant.
Genome position (GRCh38, 1-based): chr5:171,311,571, A>G. VCF-style: chr5-171311571-A-G. GRCh37 (hg19) VCF-style: chr5-170738575-A-G.
Other names: short protein forms K283R.
Identifiers: ClinVar variation 3356445 (VCV003356445.1).
Genomic context (GRCh38, chr5:171,311,571, plus strand): 5'-TGCACAACTCGTCACTCTTTGCTCTGCAGAATCTGCAGCCCTGGGAGGAGGATAGTTCCA[A>G]GGTTCCCGCTGTCACCTCCCTGGTGTGAGCCCACCAGCGCGCACCGTCGCCACGGATCGC-3'
Protein context (NP_066305.2, residues 273-291): NLQPWEEDSS[Lys283Arg]VPAVTSLV

ClinVar aggregate classification (germline): Uncertain significance (0 of 4 stars; one submission).

Conditions:
TLX3-related condition.

Submission:

PreventionGenetics, part of Exact Sciences
Classification: Uncertain significance for TLX3-related condition. Last evaluated: 2024-08-29. Review status: no assertion criteria provided. Collection method: clinical testing. Allele origin: germline.
Comment: The TLX3 c.848A>G variant is predicted to result in the amino acid substitution p.Lys283Arg. To our knowledge, this variant has not been reported in the literature or in a large population database, indicating this variant is rare. At this time, the clinical significance of this variant is uncertain due to the absence of conclusive functional and genetic evidence.